The following is an entry in ClinVar:

NM_015488.5(PNKD):c.999G>A (p.Leu333=)

Genes: CATIP-AS2 (CATIP antisense RNA 2; minus strand), PNKD (PNKD metallo-beta-lactamase domain containing; plus strand). Cytogenetic location: 2q35.
Variant type: single nucleotide variant.
Coding change: c.999G>A on transcript NM_015488.5 (MANE Select); coding-DNA position 999, G replaced by A.
Protein change: p.Leu333=; no amino-acid change (leucine 333 retained).
Molecular consequence: synonymous variant.
Genome position (GRCh38, 1-based): chr2:218,344,822, G>A. VCF-style: chr2-218344822-G-A. GRCh37 (hg19) VCF-style: chr2-219209545-G-A.
Other names: c.927G>A, p.Leu309= (NM_022572.5).
Identifiers: ClinVar variation 2140356 (VCV002140356.4), dbSNP rs1360008961, ClinGen allele CA431219872.

ClinVar aggregate classification (germline): Uncertain significance (1 of 4 stars; one submission).

Conditions:
Paroxysmal nonkinesigenic dyskinesia. Also called: Paroxysmal non-kinesigenic dyskinesia. Identifiers: Orphanet 98810, MedGen C1869117, MONDO:0700088.

Allele frequency attached by ClinVar (database versions not stated): gnomAD 0.00001; TOPMed 0.00001.
gnomAD v4.1: 2 of 1,613,778 alleles (0.00012%); highest among the groups gnomAD compares: Non-Finnish European, 0.00017%; no homozygotes.

Submission:

Labcorp Genetics (formerly Invitae), Labcorp
Classification: Uncertain significance for Paroxysmal nonkinesigenic dyskinesia. Last evaluated: 2022-03-18. Review status: criteria provided, single submitter. Criteria: Invitae Variant Classification Sherloc (09022015). Collection method: clinical testing. Allele origin: germline.
Comment: This sequence change affects codon 333 of the PNKD mRNA. It is a 'silent' change, meaning that it does not change the encoded amino acid sequence of the PNKD protein. This variant is present in population databases (no rsID available, gnomAD 0.0009%). This variant has not been reported in the literature in individuals affected with PNKD-related conditions. Algorithms developed to predict the effect of sequence changes on RNA splicing suggest that this variant may create or strengthen a splice site. In summary, the available evidence is currently insufficient to determine the role of this variant in disease. Therefore, it has been classified as a Variant of Uncertain Significance.